The following is an entry in ClinVar:

ClinVar aggregate classification (germline): Uncertain significance (1 of 4 stars; one submission).

Conditions:
Bethlem myopathy 1A. Also called: Bethlem Muscular Dystrophy; MYOPATHY, BENIGN CONGENITAL, WITH CONTRACTURES; Bethlem myopathy 1. Identifiers: Orphanet 610, MedGen CN029274, MONDO:0024530, OMIM 158810.

Allele frequency attached by ClinVar (database versions not stated): TOPMed below 0.00001; gnomAD 0.00001.
gnomAD v4.1: 5 of 1,614,136 alleles (0.00031%); highest among the groups gnomAD compares: Non-Finnish European, 0.00025%; no homozygotes.

Submission:

Labcorp Genetics (formerly Invitae), Labcorp
Classification: Uncertain significance for Bethlem myopathy 1A. Last evaluated: 2020-08-06. Review status: criteria provided, single submitter. Criteria: Invitae Variant Classification Sherloc (09022015). Collection method: clinical testing. Allele origin: germline.
Comment: This sequence change replaces valine with methionine at codon 512 of the COL6A3 protein (p.Val512Met). The valine residue is moderately conserved and there is a small physicochemical difference between valine and methionine. This variant is not present in population databases (ExAC no frequency). This variant has not been reported in the literature in individuals with COL6A3-related conditions. Advanced modeling of protein sequence and biophysical properties (such as structural, functional, and spatial information, amino acid conservation, physicochemical variation, residue mobility, and thermodynamic stability) performed at Invitae indicates that this missense variant is not expected to disrupt COL6A3 protein function. In summary, the available evidence is currently insufficient to determine the role of this variant in disease. Therefore, it has been classified as a Variant of Uncertain Significance.

NM_004369.4(COL6A3):c.1534G>A (p.Val512Met)

Gene: COL6A3 (collagen type VI alpha 3 chain; minus strand). Cytogenetic location: 2q37.3.
Variant type: single nucleotide variant.
Coding change: c.1534G>A on transcript NM_004369.4 (MANE Select); coding-DNA position 1534, G replaced by A.
Protein change: p.Val512Met; replaces valine 512 with methionine.
Molecular consequence: missense variant.
Genome position (GRCh38, 1-based): chr2:237,381,278, C>T on the plus strand (G>A on the coding strand, the complement: COL6A3 is on the minus strand). VCF-style: chr2-237381278-C-T. GRCh37 (hg19) VCF-style: chr2-238289921-C-T.
Other names: c.313G>A, p.Val105Met (NM_057166.5, NM_057164.5); c.916G>A, p.Val306Met (NM_057167.4, NM_057165.5); short protein forms V105M, V306M, V512M.
Identifiers: ClinVar variation 1017134 (VCV001017134.9), dbSNP rs1386395959, ClinGen allele CA351217719.